The following is an entry in ClinVar:

ClinVar aggregate classification (germline): Uncertain significance (1 of 4 stars; one submission).

Submission:

Labcorp Genetics (formerly Invitae), Labcorp
Classification: Uncertain significance. Last evaluated: 2022-12-26. Review status: criteria provided, single submitter. Criteria: Invitae Variant Classification Sherloc (09022015). Collection method: clinical testing. Allele origin: germline.
Comment: This sequence change replaces lysine, which is basic and polar, with glutamic acid, which is acidic and polar, at codon 7 of the IFT88 protein (p.Lys7Glu). This variant is not present in population databases (gnomAD no frequency). In summary, the available evidence is currently insufficient to determine the role of this variant in disease. Therefore, it has been classified as a Variant of Uncertain Significance. Algorithms developed to predict the effect of sequence changes on RNA splicing suggest that this variant may disrupt the consensus splice site. Algorithms developed to predict the effect of missense changes on protein structure and function are either unavailable or do not agree on the potential impact of this missense change (SIFT: "Not Available"; PolyPhen-2: "Benign"; Align-GVGD: "Not Available"). This variant has not been reported in the literature in individuals affected with IFT88-related conditions.

NM_006531.5(IFT88):c.-7+739A>G

Gene: IFT88 (intraflagellar transport 88; plus strand). Cytogenetic location: 13q12.11.
Variant type: single nucleotide variant.
Coding change: c.-7+739A>G on transcript NM_006531.5 (MANE Select); 739 bases into the intron after 7 bases upstream of the start codon, A replaced by G.
Molecular consequence: intron variant. On other transcripts: missense variant (9), 5 prime UTR variant (1), non-coding transcript variant (3).
Genome position (GRCh38, 1-based): chr13:20,567,995, A>G. VCF-style: chr13-20567995-A-G. GRCh37 (hg19) VCF-style: chr13-21142134-A-G.
Other names: c.19A>G, p.Lys7Glu (NM_001318493.2, NM_001353565.2, NM_001353566.2 and 6 more transcripts); c.-140A>G (NM_001353568.2); c.-7+739A>G (NM_001353572.2, NM_001353571.2, NM_001353578.2 and 4 more transcripts); c.-570+739A>G (NM_001353579.2); short protein forms K7E.
Identifiers: ClinVar variation 2804107 (VCV002804107.3), dbSNP rs2547803243, ClinGen allele CA387469982.